The following is an entry in ClinVar:

NM_001385641.1(SAMD11):c.1195+28del

Gene: SAMD11 (sterile alpha motif domain containing 11; plus strand). Cytogenetic location: 1p36.33.
Variant type: Deletion.
Coding change: c.1195+28del on transcript NM_001385641.1 (MANE Select); 28 bases into the intron after coding-DNA position 1195, one base deleted (C; older notation c.1195+28delC).
Molecular consequence: intron variant. On other transcripts: frameshift variant (1).
Genome position (GRCh38, 1-based): chr1:939,440, C deleted; the last of 5 consecutive C bases (chr1:939,436-939,440); deleting any one gives the same sequence. VCF-style (leftmost placement, unchanged base first): chr1-939435-TC-T. GRCh37 (hg19) VCF-style: chr1-874815-TC-T.
Other names: c.686del, p.Pro229fs (NM_152486.4); c.1198+28del (NM_001385640.1); short protein forms P229fs.
Identifiers: ClinVar variation 1415871 (VCV001415871.5), dbSNP rs1249847085, ClinGen allele CA520628648.

ClinVar aggregate classification (germline): Uncertain significance (1 of 4 stars; one submission).

Submission:

Labcorp Genetics (formerly Invitae), Labcorp
Classification: Uncertain significance. Last evaluated: 2022-06-13. Review status: criteria provided, single submitter. Criteria: Invitae Variant Classification Sherloc (09022015). Collection method: clinical testing. Allele origin: germline.
Comment: This sequence change creates a premature translational stop signal (p.Pro229Leufs*10) in the SAMD11 gene. It is expected to result in an absent or disrupted protein product. However, the current clinical and genetic evidence is not sufficient to establish whether loss-of-function variants in SAMD11 cause disease. This variant is present in population databases (no rsID available, gnomAD 0.007%). This variant has not been reported in the literature in individuals affected with SAMD11-related conditions. In summary, the available evidence is currently insufficient to determine the role of this variant in disease. Therefore, it has been classified as a Variant of Uncertain Significance.